The following is an entry in ClinVar:

ClinVar aggregate classification (germline): Uncertain significance (1 of 4 stars; one submission).

gnomAD v4.1: 1 of 1,581,084 alleles (0.000063%); highest among the groups gnomAD compares: Non-Finnish European, 0.000087%; no homozygotes.

Submission:

Labcorp Genetics (formerly Invitae), Labcorp
Classification: Uncertain significance. Last evaluated: 2025-06-14. Review status: criteria provided, single submitter. Criteria: Invitae Variant Classification Sherloc (09022015). Collection method: clinical testing. Allele origin: germline.
Comment: This sequence change replaces asparagine, which is neutral and polar, with histidine, which is basic and polar, at codon 72 of the GINS1 protein (p.Asn72His). This variant is not present in population databases (gnomAD no frequency). This variant has not been reported in the literature in individuals affected with GINS1-related conditions. An algorithm developed to predict the effect of missense changes on protein structure and function (PolyPhen-2) suggests that this variant is likely to be disruptive. In summary, the available evidence is currently insufficient to determine the role of this variant in disease. Therefore, it has been classified as a Variant of Uncertain Significance.

NM_021067.5(GINS1):c.214A>C (p.Asn72His)

Gene: GINS1 (GINS complex subunit 1; plus strand). Cytogenetic location: 20p11.21.
Variant type: single nucleotide variant.
Coding change: c.214A>C on transcript NM_021067.5 (MANE Select); coding-DNA position 214, A replaced by C.
Protein change: p.Asn72His; replaces asparagine 72 with histidine.
Molecular consequence: missense variant. On other transcripts: non-coding transcript variant (1), intron variant (1).
Genome position (GRCh38, 1-based): chr20:25,417,177, A>C. VCF-style: chr20-25417177-A-C. GRCh37 (hg19) VCF-style: chr20-25397813-A-C.
Other names: c.214A>C, p.Asn72His (NM_001410830.1); c.76-8034A>C (NM_001410831.1); short protein forms N72H.
Identifiers: ClinVar variation 4753515 (VCV004753515.1).